The following is an entry in ClinVar:

ClinVar aggregate classification (germline): Uncertain significance (1 of 4 stars; one submission).

Conditions:
Dilated cardiomyopathy 1G (CMD1G). Identifiers: Orphanet 154, MedGen C1858763, MONDO:0011400, OMIM 604145.
Autosomal recessive limb-girdle muscular dystrophy type 2J (LGMDR10). Also called: Limb-girdle muscular dystrophy, type 2J; MUSCULAR DYSTROPHY, LIMB-GIRDLE, AUTOSOMAL RECESSIVE 10. Identifiers: Orphanet 140922, MedGen C1837342, MONDO:0012127, OMIM 608807.

Allele frequency attached by ClinVar (database versions not stated): gnomAD exomes below 0.00001; TOPMed below 0.00001.
gnomAD v4.1: 1 of 1,614,014 alleles (0.000062%); highest among the groups gnomAD compares: Non-Finnish European, 0.000085%; no homozygotes.

Submission:

Labcorp Genetics (formerly Invitae), Labcorp
Classification: Uncertain significance for Dilated cardiomyopathy 1G; Autosomal recessive limb-girdle muscular dystrophy type 2J. Last evaluated: 2022-04-16. Review status: criteria provided, single submitter. Criteria: Invitae Variant Classification Sherloc (09022015). Collection method: clinical testing. Allele origin: germline.
Comment: In summary, the available evidence is currently insufficient to determine the role of this variant in disease. Therefore, it has been classified as a Variant of Uncertain Significance. This variant is located in the M band of TTN (PMID: 25589632). Variants in this region may be relevant for neuromuscular disorders, but have not been definitively shown to cause cardiomyopathy (PMID: 23975875). Experimental studies and prediction algorithms are not available or were not evaluated, and the functional significance of this variant is currently unknown. This variant has not been reported in the literature in individuals affected with TTN-related conditions. This variant is not present in population databases (gnomAD no frequency). This sequence change replaces threonine, which is neutral and polar, with serine, which is neutral and polar, at codon 35224 of the TTN protein (p.Thr35224Ser).

Literature cited by the submitters: PubMed 25589632; PubMed 23975875.

NM_001267550.2(TTN):c.105670A>T (p.Thr35224Ser)

Genes: TTN (titin; minus strand), TTN-AS1 (TTN antisense RNA 1; plus strand), LOC129935183 (ATAC-STARR-seq lymphoblastoid active region 16808; plus strand). Cytogenetic location: 2q31.2.
Variant type: single nucleotide variant.
Coding change: c.105670A>T on transcript NM_001267550.2 (MANE Select); coding-DNA position 105670, A replaced by T.
Protein change: p.Thr35224Ser; replaces threonine 35224 with serine.
Molecular consequence: missense variant.
Genome position (GRCh38, 1-based): chr2:178,530,945, T>A on the plus strand (A>T on the coding strand, the complement: TTN is on the minus strand). VCF-style: chr2-178530945-T-A. GRCh37 (hg19) VCF-style: chr2-179395672-T-A.
Other names: c.100747A>T, p.Thr33583Ser (NM_001256850.1); c.78475A>T, p.Thr26159Ser (NM_003319.4); c.97966A>T, p.Thr32656Ser (NM_133378.4); c.78850A>T, p.Thr26284Ser (NM_133432.3); c.79051A>T, p.Thr26351Ser (NM_133437.4); short protein forms T26159S, T26284S, T33583S, T35224S, T26351S, T32656S.
Identifiers: ClinVar variation 1507178 (VCV001507178.8), dbSNP rs1688850382, ClinGen allele CA349408151.